The following is an entry in ClinVar:

ClinVar aggregate classification (germline): Uncertain significance. Review status: criteria provided, multiple submitters, no conflicts (2 of 4 stars). 2 submissions from 2 submitters: Uncertain significance (2). Last evaluated 2024-05-16.

Conditions:
Hereditary cancer-predisposing syndrome. Also called: Neoplastic Syndromes, Hereditary; Hereditary Cancer Syndrome; Hereditary neoplastic syndrome; Tumor predisposition. Identifiers: Orphanet 140162, MedGen C0027672, MeSH D009386, MONDO:0015356.

Submissions (2):

Labcorp Genetics (formerly Invitae), Labcorp
Classification: Uncertain significance. Last evaluated: 2024-05-16. Review status: criteria provided, single submitter. Criteria: Invitae Variant Classification Sherloc (09022015). Collection method: clinical testing. Allele origin: germline.
Comment: This sequence change replaces leucine, which is neutral and non-polar, with proline, which is neutral and non-polar, at codon 1014 of the POLE protein (p.Leu1014Pro). This variant is not present in population databases (gnomAD no frequency). This variant has not been reported in the literature in individuals affected with POLE-related conditions. ClinVar contains an entry for this variant (Variation ID: 2108369). Advanced modeling of protein sequence and biophysical properties (such as structural, functional, and spatial information, amino acid conservation, physicochemical variation, residue mobility, and thermodynamic stability) performed at Invitae indicates that this missense variant is expected to disrupt POLE protein function with a positive predictive value of 80%. In summary, the available evidence is currently insufficient to determine the role of this variant in disease. Therefore, it has been classified as a Variant of Uncertain Significance.

Ambry Genetics
Classification: Uncertain significance for Hereditary cancer-predisposing syndrome. Last evaluated: 2023-03-04. Review status: criteria provided, single submitter. Criteria: Ambry Variant Classification Scheme 2023. Collection method: clinical testing. Allele origin: germline.
Comment: The p.L1014P variant (also known as c.3041T>C), located in coding exon 25 of the POLE gene, results from a T to C substitution at nucleotide position 3041. The leucine at codon 1014 is replaced by proline, an amino acid with similar properties. This amino acid position is conserved. In addition, this alteration is predicted to be deleterious by in silico analysis. Since supporting evidence is limited at this time, the clinical significance of this alteration remains unclear.

NM_006231.4(POLE):c.3041T>C (p.Leu1014Pro)

Gene: POLE (DNA polymerase epsilon, catalytic subunit; minus strand). Cytogenetic location: 12q24.33.
Variant type: single nucleotide variant.
Coding change: c.3041T>C on transcript NM_006231.4 (MANE Select); coding-DNA position 3041, T replaced by C.
Protein change: p.Leu1014Pro; replaces leucine 1014 with proline.
Molecular consequence: missense variant.
Genome position (GRCh38, 1-based): chr12:132,660,988, A>G on the plus strand (T>C on the coding strand, the complement: POLE is on the minus strand). VCF-style: chr12-132660988-A-G. GRCh37 (hg19) VCF-style: chr12-133237574-A-G.
Other names: c.3041T>C (NM_006231.2); short protein forms L1014P.
Identifiers: ClinVar variation 2108369 (VCV002108369.6), dbSNP rs2138688865, ClinGen allele CA387392209.